The following is an entry in ClinVar:

NM_001273.5(CHD4):c.5711C>T (p.Thr1904Ile)

Genes: CHD4 (chromodomain helicase DNA binding protein 4; minus strand), CHD4-AS1 (CHD4 antisense RNA 1; plus strand). Cytogenetic location: 12p13.31.
Variant type: single nucleotide variant.
Coding change: c.5711C>T on transcript NM_001273.5 (MANE Select); coding-DNA position 5711, C replaced by T.
Protein change: p.Thr1904Ile; replaces threonine 1904 with isoleucine.
Molecular consequence: missense variant.
Genome position (GRCh38, 1-based): chr12:6,570,879, G>A on the plus strand (C>T on the coding strand, the complement: CHD4 is on the minus strand). VCF-style: chr12-6570879-G-A. GRCh37 (hg19) VCF-style: chr12-6680045-G-A.
Other names: c.5690C>T, p.Thr1897Ile (NM_001297553.2); c.5681C>T, p.Thr1894Ile (NM_001363606.2); short protein forms T1894I, T1897I, T1904I.
Identifiers: ClinVar variation 2642621 (VCV002642621.24), dbSNP rs754677171, ClinGen allele CA6411155.
Genomic context (GRCh38, chr12:6,570,879, plus strand): 5'-CCAGAATGGTTCTGCAGGAAGAGGTGGTGTCAAGAAGAAAATGGTCCTACCTGCTGTGGG[G>A]TAGGTTCGGGTGCCCGGTTTGCCAGGCGGCTGAGAATGTTACGCTCTGACATCTGTAACC-3'
Protein context (NP_001264.2, residues 1894-1912): SRLANRAPEP[Thr1904Ile]PQQVAQQQ

ClinVar aggregate classification (germline): Uncertain significance (1 of 4 stars; one submission).

Allele frequency attached by ClinVar (database versions not stated): gnomAD exomes below 0.00001; ExAC 0.00001.

Submission:

CeGaT Center for Human Genetics Tuebingen
Classification: Uncertain significance. Last evaluated: 2023-10-01. Review status: criteria provided, single submitter. Criteria: CeGaT Center For Human Genetics Tuebingen Variant Classification Criteria Version 2. Collection method: clinical testing. Allele origin: germline. Affected: yes. Observed: 1 variant allele.
Comment: CHD4: PM2